The following is an entry in ClinVar:

NC_000013.10:g.(?_92002837)_(103343314_?)del

Genes: GPR183 (G protein-coupled receptor 183; minus strand), SOX21 (SRY-box transcription factor 21; minus strand), TGDS (TDP-glucose 4,6-dehydratase; minus strand), TM9SF2 (transmembrane 9 superfamily member 2; plus strand), TPP2 (tripeptidyl peptidase 2; plus strand) and 38 more. Cytogenetic location: 13q31.3-33.1.
Variant type: Deletion.
Identifiers: ClinVar variation 1074668 (VCV001074668.1).

ClinVar aggregate classification (germline): Pathogenic (1 of 4 stars; one submission).

Conditions:
Holoprosencephaly 5 (HPE5). Identifiers: Orphanet 2162, MedGen C1864827, MONDO:0012322, OMIM 609637.

Submission:

Labcorp Genetics (formerly Invitae), Labcorp
Classification: Pathogenic for Holoprosencephaly 5. Last evaluated: 2020-02-24. Review status: criteria provided, single submitter. Criteria: Invitae Variant Classification Sherloc (09022015). Collection method: clinical testing. Allele origin: germline.
Comment: A gross deletion of the genomic region encompassing the full coding sequence of the ZIC2 gene has been identified. The boundaries of this event are unknown as the deletion extends beyond the assayed region for this gene and therefore may encompass additional genes. Similar deletions have been observed in individual(s) with holoprosencephaly (PMID: 19955556). In at least one individual the variant was observed to be de novo. Loss-of-function variants in ZIC2 are known to be pathogenic (PMID: 17274816, 19955556, 29770992). For these reasons, this variant has been classified as Pathogenic.

Literature cited by the submitters: PubMed 19955556; PubMed 17274816; PubMed 29770992.